The following is an entry in ClinVar:

ClinVar aggregate classification (germline): Uncertain significance (1 of 4 stars; one submission).

Allele frequency attached by ClinVar (database versions not stated): gnomAD exomes below 0.00001.
gnomAD v4.1: 1 of 1,463,812 alleles (0.000068%); no homozygotes.

Submission:

Labcorp Genetics (formerly Invitae), Labcorp
Classification: Uncertain significance. Last evaluated: 2023-02-18. Review status: criteria provided, single submitter. Criteria: Invitae Variant Classification Sherloc (09022015). Collection method: clinical testing. Allele origin: germline.
Comment: This sequence change replaces glutamic acid, which is acidic and polar, with aspartic acid, which is acidic and polar, at codon 155 of the RELB protein (p.Glu155Asp). This variant is not present in population databases (gnomAD no frequency). This variant has not been reported in the literature in individuals affected with RELB-related conditions. An algorithm developed to predict the effect of missense changes on protein structure and function (PolyPhen-2) suggests that this variant is likely to be tolerated. In summary, the available evidence is currently insufficient to determine the role of this variant in disease. Therefore, it has been classified as a Variant of Uncertain Significance.

NM_006509.4(RELB):c.465G>T (p.Glu155Asp)

Gene: RELB (RELB proto-oncogene, NF-kB subunit; plus strand). Cytogenetic location: 19q13.32.
Variant type: single nucleotide variant.
Coding change: c.465G>T on transcript NM_006509.4 (MANE Select); coding-DNA position 465, G replaced by T.
Protein change: p.Glu155Asp; replaces glutamic acid 155 with aspartic acid.
Molecular consequence: missense variant.
Genome position (GRCh38, 1-based): chr19:45,012,237, G>T. VCF-style: chr19-45012237-G-T. GRCh37 (hg19) VCF-style: chr19-45515495-G-T.
Other names: c.456G>T, p.Glu152Asp (NM_001411087.1); short protein forms E152D, E155D.
Identifiers: ClinVar variation 2838756 (VCV002838756.3), dbSNP rs1371987400, ClinGen allele CA406322589.